The following is an entry in ClinVar:

ClinVar aggregate classification (germline): Uncertain significance (1 of 4 stars; one submission).

Conditions:
Familial cold autoinflammatory syndrome 3 (FCAS3). Also called: FAMILIAL ATYPICAL COLD URTICARIA; ANTIBODY DEFICIENCY AND IMMUNE DYSREGULATION, PLCG2-ASSOCIATED. Identifiers: Orphanet 300359, MedGen C3280914, MONDO:0013766, OMIM 614468.

gnomAD v4.1: 1 of 1,609,768 alleles (0.000062%); no homozygotes.

Submission:

Labcorp Genetics (formerly Invitae), Labcorp
Classification: Uncertain significance for Familial cold autoinflammatory syndrome 3. Last evaluated: 2025-08-12. Review status: criteria provided, single submitter. Criteria: Invitae Variant Classification Sherloc (09022015). Collection method: clinical testing. Allele origin: germline.
Comment: This sequence change replaces proline, which is neutral and non-polar, with serine, which is neutral and polar, at codon 640 of the PLCG2 protein (p.Pro640Ser). This variant is not present in population databases (gnomAD no frequency). This variant has not been reported in the literature in individuals affected with PLCG2-related conditions. An algorithm developed to predict the effect of missense changes on protein structure and function (PolyPhen-2) suggests that this variant is likely to be tolerated. In summary, the available evidence is currently insufficient to determine the role of this variant in disease. Therefore, it has been classified as a Variant of Uncertain Significance.

NM_002661.5(PLCG2):c.1918C>T (p.Pro640Ser)

Gene: PLCG2 (phospholipase C gamma 2; plus strand). Cytogenetic location: 16q23.3.
Variant type: single nucleotide variant.
Coding change: c.1918C>T on transcript NM_002661.5 (MANE Select); coding-DNA position 1918, C replaced by T.
Protein change: p.Pro640Ser; replaces proline 640 with serine.
Molecular consequence: missense variant.
Genome position (GRCh38, 1-based): chr16:81,910,704, C>T. VCF-style: chr16-81910704-C-T. GRCh37 (hg19) VCF-style: chr16-81944309-C-T.
Other names: c.1918C>T, p.Pro640Ser (NM_001425749.1, NM_001425750.1, NM_001425751.1); short protein forms P640S.
Identifiers: ClinVar variation 4777982 (VCV004777982.1).